The following is an entry in ClinVar:

NM_152703.5(SAMD9L):c.4358C>T (p.Ser1453Leu)

Gene: SAMD9L (sterile alpha motif domain containing 9 like; minus strand). Cytogenetic location: 7q21.2.
Variant type: single nucleotide variant.
Coding change: c.4358C>T on transcript NM_152703.5 (MANE Select); coding-DNA position 4358, C replaced by T.
Protein change: p.Ser1453Leu; replaces serine 1453 with leucine.
Molecular consequence: missense variant.
Genome position (GRCh38, 1-based): chr7:93,131,614, G>A on the plus strand (C>T on the coding strand, the complement: SAMD9L is on the minus strand). VCF-style: chr7-93131614-G-A. GRCh37 (hg19) VCF-style: chr7-92760927-G-A.
Other names: c.4358C>T, p.Ser1453Leu (NM_001303496.3, NM_001303497.3, NM_001303498.3 and 5 more transcripts); short protein forms S1453L.
Identifiers: ClinVar variation 2663577 (VCV002663577.1), dbSNP rs2535403826, ClinGen allele CA368174283.

ClinVar aggregate classification (germline): Uncertain significance (1 of 4 stars; one submission).

Submission:

GeneDx
Classification: Uncertain significance. Last evaluated: 2023-04-20. Review status: criteria provided, single submitter. Criteria: GeneDx Variant Classification Process June 2021. Collection method: clinical testing. Allele origin: germline. Affected: yes.
Comment: Not observed at significant frequency in large population cohorts (gnomAD); In silico analysis supports that this missense variant does not alter protein structure/function; Has not been previously published as pathogenic or benign to our knowledge